The following is an entry in ClinVar:

NM_002693.3(POLG):c.1887C>G (p.Asp629Glu)

Gene: POLG (DNA polymerase gamma, catalytic subunit; minus strand). Cytogenetic location: 15q26.1.
Variant type: single nucleotide variant.
Coding change: c.1887C>G on transcript NM_002693.3 (MANE Select); coding-DNA position 1887, C replaced by G.
Protein change: p.Asp629Glu; replaces aspartic acid 629 with glutamic acid.
Molecular consequence: missense variant.
Genome position (GRCh38, 1-based): chr15:89,325,512, G>C on the plus strand (C>G on the coding strand, the complement: POLG is on the minus strand). VCF-style: chr15-89325512-G-C. GRCh37 (hg19) VCF-style: chr15-89868743-G-C.
Other names: c.1887C>G, p.Asp629Glu (NM_001126131.2); short protein forms D629E.
Identifiers: ClinVar variation 528378 (VCV000528378.7), dbSNP rs886051524, ClinGen allele CA393759147.
Genomic context (GRCh38, chr15:89,325,512, plus strand): 5'-GTAGGGGCAGACCACCCCAGCTGACTCCAGGGTGGTACCTGTCGGCAGCTTGGCCAGGTT[G>C]TCCCGCCGCCCAGGCACCAAGTAGCCCCAGCCATGACGCTCTGAGTAGTGCAGAGGGAAG-3'
Protein context (NP_002684.1, residues 619-639): GWGYLVPGRR[Asp629Glu]NLAKLPTGTT

ClinVar aggregate classification (germline): Uncertain significance. Review status: criteria provided, multiple submitters, no conflicts (2 of 4 stars). 2 submissions from 2 submitters: Uncertain significance (2). Last evaluated 2025-08-13.

Conditions:
POLG-related disorder. Also called: POLG-related condition; POLG-Related Disorders; POLG-Related Spectrum Disorders. Identifiers: MedGen C4763519.
Progressive sclerosing poliodystrophy (MTDPS4A). Also called: Alpers-Huttenlocher Syndrome (AHS); ALPERS PROGRESSIVE INFANTILE POLIODYSTROPHY; Alpers Syndrome; ALPERS DIFFUSE DEGENERATION OF CEREBRAL GRAY MATTER WITH HEPATIC CIRRHOSIS; Alpers-Huttenlocher Syndrome; NEURONAL DEGENERATION OF CHILDHOOD WITH LIVER DISEASE, PROGRESSIVE. Identifiers: Orphanet 726, MedGen C0205710, MONDO:0008758, OMIM 203700.

gnomAD v4.1: 3 of 1,611,222 alleles (0.00019%); highest among the groups gnomAD compares: Non-Finnish European, 0.00025%; no homozygotes.

Submissions (2):

Myriad Genetics, Inc.
Classification: Uncertain significance for POLG-related disorder. Last evaluated: 2025-08-13. Review status: criteria provided, single submitter. Criteria: Myriad Autosomal Dominant, Autosomal Recessive and X-Linked Classification Criteria (2023). Collection method: clinical testing. Allele origin: unknown.
Comment: NM_002693.2(POLG):c.1887C>G(D629E) is a missense variant classified as a variant of uncertain significance in the context of POLG-related disorders. D629E has not been observed in cases with relevant disease. Relevant functional assessments of this variant are not available in the literature. D629E has not been observed in referenced population frequency databases. In summary, there is insufficient evidence to classify NM_002693.2(POLG):c.1887C>G(D629E) as pathogenic or benign. Please note: this variant was assessed in the context of healthy population screening.

Labcorp Genetics (formerly Invitae), Labcorp
Classification: Uncertain significance for Progressive sclerosing poliodystrophy. Last evaluated: 2022-10-26. Review status: criteria provided, single submitter. Criteria: Invitae Variant Classification Sherloc (09022015). Collection method: clinical testing. Allele origin: germline.
Comment: This sequence change replaces aspartic acid, which is acidic and polar, with glutamic acid, which is acidic and polar, at codon 629 of the POLG protein (p.Asp629Glu). This variant is not present in population databases (gnomAD no frequency). This variant has not been reported in the literature in individuals affected with POLG-related conditions. ClinVar contains an entry for this variant (Variation ID: 528378). Advanced modeling of protein sequence and biophysical properties (such as structural, functional, and spatial information, amino acid conservation, physicochemical variation, residue mobility, and thermodynamic stability) performed at Invitae indicates that this missense variant is not expected to disrupt POLG protein function. In summary, the available evidence is currently insufficient to determine the role of this variant in disease. Therefore, it has been classified as a Variant of Uncertain Significance.